The following is an entry in ClinVar:

ClinVar aggregate classification (germline): Uncertain significance (1 of 4 stars; one submission).

Conditions:
Ullrich congenital muscular dystrophy 2 (UCMD2). Identifiers: Orphanet 75840, MedGen C4225314, MONDO:0014654, OMIM 616470.
Bethlem myopathy 2 (BTHLM2). Identifiers: Orphanet 536516, Orphanet 610, MedGen C4225313, MONDO:0034022, OMIM 616471.

Submission:

Labcorp Genetics (formerly Invitae), Labcorp
Classification: Uncertain significance for Bethlem myopathy 2; Ullrich congenital muscular dystrophy 2. Last evaluated: 2022-10-12. Review status: criteria provided, single submitter. Criteria: Invitae Variant Classification Sherloc (09022015). Collection method: clinical testing. Allele origin: germline.
Comment: This variant is not present in population databases (gnomAD no frequency). In summary, the available evidence is currently insufficient to determine the role of this variant in disease. Therefore, it has been classified as a Variant of Uncertain Significance. Advanced modeling of protein sequence and biophysical properties (such as structural, functional, and spatial information, amino acid conservation, physicochemical variation, residue mobility, and thermodynamic stability) performed at Invitae indicates that this missense variant is not expected to disrupt COL12A1 protein function. This variant has not been reported in the literature in individuals affected with COL12A1-related conditions. This sequence change replaces phenylalanine, which is neutral and non-polar, with serine, which is neutral and polar, at codon 297 of the COL12A1 protein (p.Phe297Ser).

NM_004370.6(COL12A1):c.890T>C (p.Phe297Ser)

Gene: COL12A1 (collagen type XII alpha 1 chain; minus strand). Cytogenetic location: 6q13.
Variant type: single nucleotide variant.
Coding change: c.890T>C on transcript NM_004370.6 (MANE Select); coding-DNA position 890, T replaced by C.
Protein change: p.Phe297Ser; replaces phenylalanine 297 with serine.
Molecular consequence: missense variant. On other transcripts: intron variant (1).
Genome position (GRCh38, 1-based): chr6:75,188,469, A>G on the plus strand (T>C on the coding strand, the complement: COL12A1 is on the minus strand). VCF-style: chr6-75188469-A-G. GRCh37 (hg19) VCF-style: chr6-75898185-A-G.
Other names: c.73+14251T>C (NM_080645.3); short protein forms F297S.
Identifiers: ClinVar variation 1720976 (VCV001720976.6), dbSNP rs2533596374, ClinGen allele CA364727620.